The following is an entry in ClinVar:

ClinVar aggregate classification (germline): Likely benign. Review status: criteria provided, multiple submitters, no conflicts (2 of 4 stars). 2 submissions from 2 submitters: Likely benign (2). Last evaluated 2023-12-18.

Conditions:
Developmental and epileptic encephalopathy, 36 (DEE36). Also called: Epileptic encephalopathy, early infantile, 36; ALG13-CDG; Congenital disorder of glycosylation, type Is. Identifiers: Orphanet 324422, MedGen C4317295, MONDO:0010472, OMIM 300884.

Allele frequency attached by ClinVar (database versions not stated): gnomAD exomes below 0.00001; TOPMed 0.00003.
gnomAD v4.1: 6 of 1,191,455 alleles (0.0005%); highest among the groups gnomAD compares: Non-Finnish European, 0.00057%; no homozygotes.

Submissions (2):

Labcorp Genetics (formerly Invitae), Labcorp
Classification: Likely benign for Developmental and epileptic encephalopathy, 36. Last evaluated: 2023-12-18. Review status: criteria provided, single submitter. Criteria: Invitae Variant Classification Sherloc (09022015). Collection method: clinical testing. Allele origin: germline.

GeneDx
Classification: Likely benign. Last evaluated: 2018-04-30. Review status: criteria provided, single submitter. Criteria: GeneDx Variant Classification (06012015). Collection method: clinical testing. Allele origin: germline. Affected: yes.
Comment: This variant is considered likely benign or benign based on one or more of the following criteria: it is a conservative change, it occurs at a poorly conserved position in the protein, it is predicted to be benign by multiple in silico algorithms, and/or has population frequency not consistent with disease.

NM_001099922.3(ALG13):c.3149-12C>T

Gene: ALG13 (ALG13 UDP-N-acetylglucosaminyltransferase subunit; plus strand). Cytogenetic location: Xq23.
Variant type: single nucleotide variant.
Coding change: c.3149-12C>T on transcript NM_001099922.3 (MANE Select); 12 bases into the intron before coding-DNA position 3149, C replaced by T.
Molecular consequence: intron variant.
Genome position (GRCh38, 1-based): chrX:111,759,722, C>T. VCF-style: chrX-111759722-C-T. GRCh37 (hg19) VCF-style: chrX-111002950-C-T.
Other names: c.2600-12C>T (NM_001257237.2, NM_001257234.2, NM_001257230.2); c.2426-12C>T (NM_001324293.1); c.2915-12C>T (NM_001257231.2); c.2912-12C>T (NM_001324292.2).
Identifiers: ClinVar variation 682415 (VCV000682415.4), dbSNP rs1603002604, ClinGen allele CA915952330.